The following is an entry in ClinVar:

NM_018975.4(TERF2IP):c.1129A>G (p.Thr377Ala)

Gene: TERF2IP (TERF2 interacting protein; plus strand). Cytogenetic location: 16q23.1.
Variant type: single nucleotide variant.
Coding change: c.1129A>G on transcript NM_018975.4 (MANE Select); coding-DNA position 1129, A replaced by G.
Protein change: p.Thr377Ala; replaces threonine 377 with alanine.
Molecular consequence: missense variant. On other transcripts: non-coding transcript variant (1).
Genome position (GRCh38, 1-based): chr16:75,656,540, A>G. VCF-style: chr16-75656540-A-G. GRCh37 (hg19) VCF-style: chr16-75690438-A-G.
Other names: short protein forms T377A.
Identifiers: ClinVar variation 1727608 (VCV001727608.3), dbSNP rs2507089952, ClinGen allele CA396820327.

ClinVar aggregate classification (germline): Uncertain significance (1 of 4 stars; one submission).

Allele frequency attached by ClinVar (database versions not stated): gnomAD exomes below 0.00001.
gnomAD v4.1: 3 of 1,614,114 alleles (0.00019%); highest among the groups gnomAD compares: Non-Finnish European, 0.00025%; no homozygotes.

Submission:

Ambry Genetics
Classification: Uncertain significance. Last evaluated: 2024-09-01. Review status: criteria provided, single submitter. Criteria: Ambry Variant Classification Scheme 2023. Collection method: clinical testing. Allele origin: germline.
Comment: The p.T377A variant (also known as c.1129A>G), located in coding exon 3 of the TERF2IP gene, results from an A to G substitution at nucleotide position 1129. The threonine at codon 377 is replaced by alanine, an amino acid with similar properties. This amino acid position is conserved. In addition, this alteration is predicted to be tolerated by in silico analysis. Since supporting evidence is limited at this time, the clinical significance of this alteration remains unclear.